The following is an entry in ClinVar:

NM_021076.4(NEFH):c.895C>T (p.Arg299Ter)

Gene: NEFH (neurofilament heavy chain; plus strand). Cytogenetic location: 22q12.2.
Variant type: single nucleotide variant.
Coding change: c.895C>T on transcript NM_021076.4 (MANE Select); coding-DNA position 895, C replaced by T.
Protein change: p.Arg299Ter; replaces arginine 299 with a stop codon.
Molecular consequence: nonsense.
Genome position (GRCh38, 1-based): chr22:29,483,386, C>T. VCF-style: chr22-29483386-C-T. GRCh37 (hg19) VCF-style: chr22-29879375-C-T.
Other names: short protein forms R299*.
Identifiers: ClinVar variation 1952105 (VCV001952105.5), dbSNP rs758814953, ClinGen allele CA10174058.

ClinVar aggregate classification (germline): Uncertain significance (1 of 4 stars; one submission).

Allele frequency attached by ClinVar (database versions not stated): gnomAD exomes below 0.00001; ExAC 0.00001.
gnomAD v4.1: 2 of 1,613,808 alleles (0.00012%); highest among the groups gnomAD compares: Non-Finnish European, 0.000085%; no homozygotes.

Submission:

Labcorp Genetics (formerly Invitae), Labcorp
Classification: Uncertain significance. Last evaluated: 2022-05-03. Review status: criteria provided, single submitter. Criteria: Invitae Variant Classification Sherloc (09022015). Collection method: clinical testing. Allele origin: germline.
Comment: This sequence change creates a premature translational stop signal (p.Arg299*) in the NEFH gene. It is expected to result in an absent or disrupted protein product. However, the current clinical and genetic evidence is not sufficient to establish whether loss-of-function variants in NEFH cause disease. In summary, the available evidence is currently insufficient to determine the role of this variant in disease. Therefore, it has been classified as a Variant of Uncertain Significance. This variant has not been reported in the literature in individuals affected with NEFH-related conditions. This variant is present in population databases (rs758814953, gnomAD 0.0009%).